The following is an entry in ClinVar:

ClinVar aggregate classification (germline): Uncertain significance (1 of 4 stars; one submission).

Conditions:
AHDC1-related disorder. Also called: AHDC1-related condition.

Submission:

PreventionGenetics, part of Exact Sciences
Classification: Uncertain significance for AHDC1-related condition. Last evaluated: 2025-09-03. Review status: criteria provided, single submitter. Criteria: ACMG Guidelines, 2015. Collection method: clinical testing. Allele origin: germline.
Comment: The AHDC1 c.233C>T variant is predicted to result in the amino acid substitution p.Ala78Val. To our knowledge, this variant has not been reported in the literature or in a large population database (gnomAD), indicating this variant is rare. At this time, the clinical significance of this variant is uncertain due to the absence of conclusive functional and genetic evidence.

NM_001371928.1(AHDC1):c.233C>T (p.Ala78Val)

Gene: AHDC1 (AT-hook DNA binding motif containing 1; minus strand). Cytogenetic location: 1p36.11.
Variant type: single nucleotide variant.
Coding change: c.233C>T on transcript NM_001371928.1 (MANE Select); coding-DNA position 233, C replaced by T.
Protein change: p.Ala78Val; replaces alanine 78 with valine.
Molecular consequence: missense variant.
Genome position (GRCh38, 1-based): chr1:27,551,883, G>A on the plus strand (C>T on the coding strand, the complement: AHDC1 is on the minus strand). VCF-style: chr1-27551883-G-A. GRCh37 (hg19) VCF-style: chr1-27878394-G-A.
Other names: c.233C>T, p.Ala78Val (NM_001029882.3); short protein forms A78V.
Identifiers: ClinVar variation 4996650 (VCV004996650.1).